The following is an entry in ClinVar:

ClinVar aggregate classification (germline): Conflicting classifications of pathogenicity. Review status: criteria provided, conflicting classifications (1 of 4 stars). 7 submissions from 7 submitters: Uncertain significance (1); Likely benign (5). 1 of the submissions does not count toward it. Last evaluated 2026-06-24.

Conditions:
Sialuria. Also called: SIALURIA, FRENCH TYPE; Sialic Acid Storage Disease. Identifiers: Orphanet 3166, MedGen C0342853, MONDO:0010028, OMIM 269921.
GNE myopathy (NM). Also called: IBM 2; Inclusion body myopathy autosomal recessive; Inclusion body myopathy quadriceps sparing; INCLUSION BODY MYOPATHY, HEREDITARY, AUTOSOMAL RECESSIVE; INCLUSION BODY MYOPATHY 2, AUTOSOMAL RECESSIVE; MYOPATHY, DISTAL, WITH OR WITHOUT RIMMED VACUOLES. Identifiers: Orphanet 602, MedGen C1853926, MONDO:0011603, OMIM 605820.

Allele frequency attached by ClinVar (database versions not stated): 1000 Genomes Project below 0.00001; gnomAD 0.00036 and 0.00038; TOPMed 0.00041; ESP Exome Variant Server 0.00046; gnomAD exomes 0.00057; ExAC 0.00065.
gnomAD v4.1: 798 of 1,614,158 alleles (0.049%); highest among the groups gnomAD compares: South Asian, 0.23%; 3 homozygotes.

Submissions (7):

Women's Health and Genetics/Laboratory Corporation of America, LabCorp
Classification: Likely benign. Last evaluated: 2026-06-24. Review status: criteria provided, single submitter. Criteria: LabCorp Variant Classification Summary - May 2015. Collection method: clinical testing. Allele origin: germline.

CeGaT Center for Human Genetics Tuebingen
Classification: Likely benign. Last evaluated: 2026-05-01. Review status: criteria provided, single submitter. Criteria: CeGaT Center For Human Genetics Tuebingen Variant Classification Criteria Version 2. Collection method: clinical testing. Allele origin: germline. Affected: yes. Observed: 3 variant alleles.
Comment: GNE: BP4, BP7

Labcorp Genetics (formerly Invitae), Labcorp
Classification: Likely benign for Sialuria; GNE myopathy. Last evaluated: 2026-02-04. Review status: criteria provided, single submitter. Criteria: Invitae Variant Classification Sherloc (09022015). Collection method: clinical testing. Allele origin: germline.

Blueprint Genetics
Classification: Likely benign. Last evaluated: 2024-11-11. Review status: criteria provided, single submitter. Criteria: ACMG Guidelines, 2015. Collection method: clinical testing. Allele origin: germline.

GeneDx
Classification: Likely benign. Last evaluated: 2018-04-09. Review status: criteria provided, single submitter. Criteria: GeneDx Variant Classification (06012015). Collection method: clinical testing. Allele origin: germline. Affected: yes.
Comment: This variant is considered likely benign or benign based on one or more of the following criteria: it is a conservative change, it occurs at a poorly conserved position in the protein, it is predicted to be benign by multiple in silico algorithms, and/or has population frequency not consistent with disease.

Eurofins Ntd Llc (ga)
Classification: Uncertain significance. Last evaluated: 2016-12-13. Review status: criteria provided, single submitter. Criteria: EGL Classification Definitions 2015. Collection method: clinical testing. Allele origin: germline. Observed: 4 variant alleles, 4 heterozygotes.

Natera, Inc.
Classification: Uncertain significance for Nonaka myopathy. Last evaluated: 2020-01-17. Review status: no assertion criteria provided. Collection method: clinical testing. Allele origin: germline. Not counted in ClinVar's aggregate classification.

NM_005476.7(GNE):c.1509C>G (p.Pro503=)

Gene: GNE (glucosamine (UDP-N-acetyl)-2-epimerase/N-acetylmannosamine kinase; minus strand). Cytogenetic location: 9p13.3.
Variant type: single nucleotide variant.
Coding change: c.1509C>G on transcript NM_005476.7 (MANE Select); coding-DNA position 1509, C replaced by G.
Protein change: p.Pro503=; no amino-acid change (proline 503 retained).
Molecular consequence: synonymous variant. On other transcripts: intron variant (1).
Genome position (GRCh38, 1-based): chr9:36,222,901, G>C on the plus strand (C>G on the coding strand, the complement: GNE is on the minus strand). VCF-style: chr9-36222901-G-C. GRCh37 (hg19) VCF-style: chr9-36222898-G-C.
Other names: c.1602C>G, p.Pro534= (NM_001128227.3); c.1179C>G, p.Pro393= (NM_001190384.3); c.1332C>G, p.Pro444= (NM_001190388.2, NM_001374798.1); c.1356C>G, p.Pro452= (NM_001374797.1); c.1411+472C>G (NM_001190383.3).
Identifiers: ClinVar variation 288432 (VCV000288432.30), dbSNP rs141172610, ClinGen allele CA5056474.